The following is an entry in ClinVar:

NM_000081.4(LYST):c.7946T>C (p.Leu2649Ser)

Gene: LYST (lysosomal trafficking regulator; minus strand). Cytogenetic location: 1q42.3.
Variant type: single nucleotide variant.
Coding change: c.7946T>C on transcript NM_000081.4 (MANE Select); coding-DNA position 7946, T replaced by C.
Protein change: p.Leu2649Ser; replaces leucine 2649 with serine.
Molecular consequence: missense variant.
Genome position (GRCh38, 1-based): chr1:235,746,362, A>G on the plus strand (T>C on the coding strand, the complement: LYST is on the minus strand). VCF-style: chr1-235746362-A-G. GRCh37 (hg19) VCF-style: chr1-235909662-A-G.
Other names: c.7946T>C, p.Leu2649Ser (NM_001301365.1); short protein forms L2649S.
Identifiers: ClinVar variation 2050987 (VCV002050987.1), dbSNP rs756281877, ClinGen allele CA1465990.

ClinVar aggregate classification (germline): Uncertain significance (1 of 4 stars; one submission).

Conditions:
Chédiak-Higashi syndrome (CHS). Also called: Chediak-Higashi Syndrome. Identifiers: Orphanet 167, MedGen C0007965, MONDO:0008963, OMIM 214500.

Allele frequency attached by ClinVar (database versions not stated): gnomAD exomes below 0.00001; TOPMed below 0.00001; ExAC 0.00001; gnomAD 0.00001.
gnomAD v4.1: 3 of 1,613,768 alleles (0.00019%); highest among the groups gnomAD compares: East Asian, 0.0022%; no homozygotes.

Submission:

Labcorp Genetics (formerly Invitae), Labcorp
Classification: Uncertain significance for Chédiak-Higashi syndrome. Last evaluated: 2022-05-15. Review status: criteria provided, single submitter. Criteria: Invitae Variant Classification Sherloc (09022015). Collection method: clinical testing. Allele origin: germline.
Comment: This sequence change replaces leucine, which is neutral and non-polar, with serine, which is neutral and polar, at codon 2649 of the LYST protein (p.Leu2649Ser). This variant is present in population databases (rs756281877, gnomAD 0.007%). This variant has not been reported in the literature in individuals affected with LYST-related conditions. Algorithms developed to predict the effect of missense changes on protein structure and function are either unavailable or do not agree on the potential impact of this missense change (SIFT: "Deleterious"; PolyPhen-2: "Benign"; Align-GVGD: "Class C65"). In summary, the available evidence is currently insufficient to determine the role of this variant in disease. Therefore, it has been classified as a Variant of Uncertain Significance.